The following is an entry in ClinVar:

NM_001369.3(DNAH5):c.13849G>T (p.Val4617Phe)

Gene: DNAH5 (dynein axonemal heavy chain 5; minus strand). Cytogenetic location: 5p15.2.
Variant type: single nucleotide variant.
Coding change: c.13849G>T on transcript NM_001369.3 (MANE Select); coding-DNA position 13849, G replaced by T.
Protein change: p.Val4617Phe; replaces valine 4617 with phenylalanine.
Molecular consequence: missense variant.
Genome position (GRCh38, 1-based): chr5:13,692,010, C>A on the plus strand (G>T on the coding strand, the complement: DNAH5 is on the minus strand). VCF-style: chr5-13692010-C-A. GRCh37 (hg19) VCF-style: chr5-13692119-C-A.
Other names: short protein forms V4617F.
Identifiers: ClinVar variation 2039559 (VCV002039559.4), dbSNP rs923678039, ClinGen allele CA359188529.

ClinVar aggregate classification (germline): Uncertain significance (1 of 4 stars; one submission).

Conditions:
Primary ciliary dyskinesia. Also called: Ciliary dyskinesia. Identifiers: Orphanet 244, MedGen C0008780, MONDO:0016575, HP:0012265.

Allele frequency attached by ClinVar (database versions not stated): gnomAD exomes below 0.00001.
gnomAD v4.1: 1 of 1,614,090 alleles (0.000062%); highest among the groups gnomAD compares: Admixed American, 0.0017%; no homozygotes.

Submission:

Labcorp Genetics (formerly Invitae), Labcorp
Classification: Uncertain significance for Primary ciliary dyskinesia. Last evaluated: 2024-02-26. Review status: criteria provided, single submitter. Criteria: Invitae Variant Classification Sherloc (09022015). Collection method: clinical testing. Allele origin: germline.
Comment: This sequence change replaces valine, which is neutral and non-polar, with phenylalanine, which is neutral and non-polar, at codon 4617 of the DNAH5 protein (p.Val4617Phe). This variant is not present in population databases (gnomAD no frequency). This variant has not been reported in the literature in individuals affected with DNAH5-related conditions. ClinVar contains an entry for this variant (Variation ID: 2039559). Advanced modeling of protein sequence and biophysical properties (such as structural, functional, and spatial information, amino acid conservation, physicochemical variation, residue mobility, and thermodynamic stability) performed at Invitae indicates that this missense variant is not expected to disrupt DNAH5 protein function with a negative predictive value of 95%. In summary, the available evidence is currently insufficient to determine the role of this variant in disease. Therefore, it has been classified as a Variant of Uncertain Significance.